The following is an entry in ClinVar:

ClinVar aggregate classification (germline): Uncertain significance (1 of 4 stars; one submission).

Conditions:
GLUT1 deficiency syndrome 1, autosomal recessive. Identifiers: MedGen C3149117.

Submission:

Labcorp Genetics (formerly Invitae), Labcorp
Classification: Uncertain significance for GLUT1 deficiency syndrome 1, autosomal recessive. Last evaluated: 2024-09-01. Review status: criteria provided, single submitter. Criteria: Invitae Variant Classification Sherloc (09022015). Collection method: clinical testing. Allele origin: germline.
Comment: This sequence change replaces isoleucine, which is neutral and non-polar, with valine, which is neutral and non-polar, at codon 315 of the SLC2A1 protein (p.Ile315Val). This variant is not present in population databases (gnomAD no frequency). This variant has not been reported in the literature in individuals affected with SLC2A1-related conditions. ClinVar contains an entry for this variant (Variation ID: 1954338). Invitae Evidence Modeling of protein sequence and biophysical properties (such as structural, functional, and spatial information, amino acid conservation, physicochemical variation, residue mobility, and thermodynamic stability) indicates that this missense variant is not expected to disrupt SLC2A1 protein function with a negative predictive value of 95%. In summary, the available evidence is currently insufficient to determine the role of this variant in disease. Therefore, it has been classified as a Variant of Uncertain Significance.

NM_006516.4(SLC2A1):c.943A>G (p.Ile315Val)

Gene: SLC2A1 (solute carrier family 2 member 1; minus strand). Cytogenetic location: 1p34.2.
Variant type: single nucleotide variant.
Coding change: c.943A>G on transcript NM_006516.4 (MANE Select); coding-DNA position 943, A replaced by G.
Protein change: p.Ile315Val; replaces isoleucine 315 with valine.
Molecular consequence: missense variant.
Genome position (GRCh38, 1-based): chr1:42,929,239, T>C on the plus strand (A>G on the coding strand, the complement: SLC2A1 is on the minus strand). VCF-style: chr1-42929239-T-C. GRCh37 (hg19) VCF-style: chr1-43394910-T-C.
Other names: short protein forms I315V.
Identifiers: ClinVar variation 1954338 (VCV001954338.5), dbSNP rs2524989944, ClinGen allele CA339956504.
Genomic context (GRCh38, chr1:42,929,239, plus strand): 5'-TGGCTGGGGGGGCCAGTAAGCAAAGACTCACCGACACGACAGTGAAGGCCGTGTTGACGA[T>C]ACCGGAGCCAATGGTGGCATACACAGGCTGCTGCACCCCCGCCTTCTCGAAGATGCTCGT-3'
Protein context (NP_006507.2, residues 305-325): QPVYATIGSG[Ile315Val]VNTAFTVVSL